The following is an entry in ClinVar:

NM_000051.4(ATM):c.6699C>G (p.Ile2233Met)

Genes: ATM (ATM serine/threonine kinase; plus strand), C11orf65 (chromosome 11 open reading frame 65; minus strand). Cytogenetic location: 11q22.3.
Variant type: single nucleotide variant.
Coding change: c.6699C>G on transcript NM_000051.4 (MANE Select); coding-DNA position 6699, C replaced by G.
Protein change: p.Ile2233Met; replaces isoleucine 2233 with methionine.
Molecular consequence: missense variant. On other transcripts: intron variant (2).
Genome position (GRCh38, 1-based): chr11:108,325,436, C>G. VCF-style: chr11-108325436-C-G. GRCh37 (hg19) VCF-style: chr11-108196163-C-G.
Other names: c.6699C>G, p.Ile2233Met (NM_001351834.2); c.641-16365G>C (NM_001330368.2); c.*38+9784G>C (NM_001351110.2); short protein forms I2233M.
Identifiers: ClinVar variation 1308887 (VCV001308887.10), dbSNP rs1555119149, ClinGen allele CA382554931.

ClinVar aggregate classification (germline): Uncertain significance. Review status: criteria provided, multiple submitters, no conflicts (2 of 4 stars). 3 submissions from 3 submitters: Uncertain significance (3). Last evaluated 2025-03-07.

Conditions:
Hereditary cancer-predisposing syndrome. Also called: Tumor predisposition; Neoplastic Syndromes, Hereditary; Hereditary Cancer Syndrome; Hereditary neoplastic syndrome. Identifiers: Orphanet 140162, MedGen C0027672, MeSH D009386, MONDO:0015356.
Ataxia-telangiectasia syndrome (AT). Also called: Ataxia-telangiectasia; LOUIS-BAR SYNDROME; Ataxia-telangiectasia, complementation group D; AT, COMPLEMENTATION GROUP C; ATAXIA-TELANGIECTASIA, COMPLEMENTATION GROUP A; ATAXIA-TELANGIECTASIA, FRESNO VARIANT. Identifiers: Orphanet 100, MedGen C0004135, MONDO:0008840, OMIM 208900.

Submissions (3):

Ambry Genetics
Classification: Uncertain significance for Hereditary cancer-predisposing syndrome. Last evaluated: 2025-03-07. Review status: criteria provided, single submitter. Criteria: Ambry Variant Classification Scheme 2023. Collection method: clinical testing. Allele origin: germline.
Comment: The p.I2233M variant (also known as c.6699C>G), located in coding exon 45 of the ATM gene, results from a C to G substitution at nucleotide position 6699. The isoleucine at codon 2233 is replaced by methionine, an amino acid with highly similar properties. This variant was identified in 1 of 7636 unselected prostate cancer patients and 0 of 12366 male controls of Japanese ancestry (Momozawa Y et al. J Natl Cancer Inst, 2020 Apr;112:369-376). This amino acid position is not well conserved in available vertebrate species. In addition, this alteration is predicted to be tolerated by in silico analysis. Based on the available evidence, the clinical significance of this variant remains unclear.

Labcorp Genetics (formerly Invitae), Labcorp
Classification: Uncertain significance for Ataxia-telangiectasia syndrome. Last evaluated: 2024-11-18. Review status: criteria provided, single submitter. Criteria: Invitae Variant Classification Sherloc (09022015). Collection method: clinical testing. Allele origin: germline.
Comment: This sequence change replaces isoleucine, which is neutral and non-polar, with methionine, which is neutral and non-polar, at codon 2233 of the ATM protein (p.Ile2233Met). This variant is not present in population databases (gnomAD no frequency). This variant has not been reported in the literature in individuals affected with ATM-related conditions. ClinVar contains an entry for this variant (Variation ID: 1308887). Invitae Evidence Modeling of protein sequence and biophysical properties (such as structural, functional, and spatial information, amino acid conservation, physicochemical variation, residue mobility, and thermodynamic stability) indicates that this missense variant is not expected to disrupt ATM protein function with a negative predictive value of 95%. In summary, the available evidence is currently insufficient to determine the role of this variant in disease. Therefore, it has been classified as a Variant of Uncertain Significance.

GeneDx
Classification: Uncertain significance. Last evaluated: 2023-11-10. Review status: criteria provided, single submitter. Criteria: GeneDx Variant Classification Process June 2021. Collection method: clinical testing. Allele origin: germline. Affected: yes.
Comment: Not observed at significant frequency in large population cohorts (gnomAD); In silico analysis supports that this missense variant does not alter protein structure/function; Has not been previously published as pathogenic or benign to our knowledge; This variant is associated with the following publications: (PMID: 23532176)

Literature cited by the submitters: PubMed 31214711 (cited by Ambry Genetics).